The following is an entry in ClinVar:

NM_015627.3(LDLRAP1):c.431dup (p.His144fs)

Gene: LDLRAP1 (low density lipoprotein receptor adaptor protein 1; plus strand). Cytogenetic location: 1p36.11.
Variant type: Duplication.
Coding change: c.431dup on transcript NM_015627.3 (MANE Select); coding-DNA position 431, one base duplicated (A; older notation c.431dupA).
Protein change: p.His144fs; shifts the reading frame from histidine 144.
Molecular consequence: frameshift variant.
Genome position (GRCh38, 1-based): chr1:25,557,239, A duplicated. VCF-style (leftmost placement, unchanged base first): chr1-25557238-C-CA. GRCh37 (hg19) VCF-style: chr1-25883729-C-CA.
Other names: c.431dupA (NM_015627.2); short protein forms H144fs.
Identifiers: ClinVar variation 662264 (VCV000662264.19), dbSNP rs750383461, ClinGen allele CA695544.

ClinVar aggregate classification (germline): Pathogenic. Review status: criteria provided, multiple submitters, no conflicts (2 of 4 stars). 6 submissions from 6 submitters: Pathogenic (6). Last evaluated 2025-04-18.

Conditions:
Cardiovascular phenotype. Identifiers: MedGen CN230736.
Familial hypercholesterolemia. Also called: Familial hypercholesterolemias; Familial hypercholesterolaemia. Identifiers: MedGen C0020445, MONDO:0005439.
Hypercholesterolemia, familial, 4 (FHCL4). Also called: HYPERCHOLESTEROLEMIA, AUTOSOMAL RECESSIVE, 1; HYPERCHOLESTEROLEMIA, AUTOSOMAL RECESSIVE, 2. Identifiers: Orphanet 391665, MedGen C1863512, MONDO:0011374, OMIM 603813.

Allele frequency attached by ClinVar (database versions not stated): gnomAD 0.00001; gnomAD exomes 0.00001 and 0.00002; ExAC 0.00002; TOPMed 0.00002; ESP Exome Variant Server 0.00008.

Submissions (6):

Ambry Genetics
Classification: Pathogenic for Cardiovascular phenotype. Last evaluated: 2025-04-18. Review status: criteria provided, single submitter. Criteria: Ambry Variant Classification Scheme 2023. Collection method: clinical testing. Allele origin: germline.
Comment: The c.431dupA pathogenic mutation, located in coding exon 4 of the LDLRAP1 gene, results from a duplication of A at nucleotide position 431, causing a translational frameshift with a predicted alternate stop codon (p.H144Qfs*27). This variant has been identified in the homozygous state and/or in conjunction with other LDLRAP1 variant(s) in individual(s) with features consistent with homozygous familial hypercholesterolemia (FH) (Pisciotta L et al. Atherosclerosis, 2006 Oct;188:398-405; Averna M et al. Nutr Metab Cardiovasc Dis, 2016 Jan;26:36-44; S&aacute;nchez-Hern&aacute;ndez RM et al. Circ Cardiovasc Genet, 2016 Dec;9:504-510; Marmontel O et al. Clin Genet, 2020 Dec;98:589-594; Martinsen MH et al. J Clin Lipidol, 2020 Jun;14:419-424; Noto D et al. Atherosclerosis, 2022 Apr;347:63-67). This alteration is expected to result in loss of function by premature protein truncation or nonsense-mediated mRNA decay. As such, this alteration is interpreted as a disease-causing mutation.

Natera, Inc.
Classification: Pathogenic for Familial hypercholesterolemia. Last evaluated: 2025-02-17. Review status: criteria provided, single submitter. Criteria: Natera Variant Classification Schema (03/2026). Collection method: clinical testing. Allele origin: germline.
Comment: The c.431dupA variant in LDLRAP1 is a frameshift variant predicted to shift the reading frame beginning at codon 144 and leads to a stop codon 27 codons downstream. This variant is expected to result in nonsense mediated decay, truncation, or a dysfunctional protein product. This variant is rare in the general population with a frequency below the threshold expected for the associated phenotype(s). This variant has been observed in one or more individuals affected with the associated recessive disease, as either homozygous or compound heterozygous with a second variant (PMID: 29245109, 26723464, 11326085). Additionally, this variant has been observed to segregate in affected family members (PMID: 11326085). Given the available evidence, this variant is classified as Pathogenic.

Labcorp Genetics (formerly Invitae), Labcorp
Classification: Pathogenic for Hypercholesterolemia, familial, 4. Last evaluated: 2024-02-06. Review status: criteria provided, single submitter. Criteria: Invitae Variant Classification Sherloc (09022015). Collection method: clinical testing. Allele origin: germline.
Comment: This sequence change creates a premature translational stop signal (p.His144Glnfs*27) in the LDLRAP1 gene. It is expected to result in an absent or disrupted protein product. Loss-of-function variants in LDLRAP1 are known to be pathogenic (PMID: 11326085, 12464675). This variant is present in population databases (rs750383461, gnomAD 0.005%). This premature translational stop signal has been observed in individuals with autosomal recessive hypercholesterolemia (PMID: 11326085, 26723464, 29245109). ClinVar contains an entry for this variant (Variation ID: 662264). For these reasons, this variant has been classified as Pathogenic.

Genome-Nilou Lab
Classification: Pathogenic for Hypercholesterolemia, familial, 4. Last evaluated: 2023-04-11. Review status: criteria provided, single submitter. Criteria: ACMG Guidelines, 2015. Collection method: clinical testing. Allele origin: germline. Affected: no.

AiLife Diagnostics
Classification: Pathogenic. Last evaluated: 2022-01-06. Review status: criteria provided, single submitter. Criteria: ACMG Guidelines, 2015. Collection method: clinical testing. Allele origin: germline. Affected: yes. Observed: 1 variant allele.

Revvity Omics, Revvity
Classification: Pathogenic for Hypercholesterolemia, familial, 4. Last evaluated: 2019-11-19. Review status: criteria provided, single submitter. Criteria: ACMG Guidelines, 2015. Collection method: clinical testing. Allele origin: germline.

Literature cited by the submitters: PubMed 16343504 (cited by Ambry Genetics); PubMed 26723464 (cited by 4 submitters); PubMed 27784735 (cited by Ambry Genetics); PubMed 29245109 (cited by 4 submitters); PubMed 32636080 (cited by Ambry Genetics and AiLife Diagnostics); PubMed 33111339 (cited by Ambry Genetics and AiLife Diagnostics); PubMed 35339733 (cited by Ambry Genetics); PubMed 11326085 (cited by 3 submitters); PubMed 12464675 (cited by Labcorp Genetics (formerly Invitae), Labcorp); PubMed 11897284 (cited by AiLife Diagnostics); PubMed 12535754 (cited by AiLife Diagnostics); PubMed 14717060 (cited by AiLife Diagnostics); PubMed 25670367 (cited by AiLife Diagnostics); PubMed 29153781 (cited by AiLife Diagnostics); PubMed 34037665 (cited by AiLife Diagnostics).